The following is an entry in ClinVar:

ClinVar aggregate classification (germline): Uncertain significance. Review status: criteria provided, multiple submitters, no conflicts (2 of 4 stars). 2 submissions from 2 submitters: Uncertain significance (2). Last evaluated 2023-08-04.

Conditions:
Inborn genetic diseases. Identifiers: MedGen C0950123, MeSH D030342.

Allele frequency attached by ClinVar (database versions not stated): gnomAD exomes below 0.00001 and 0.00001; ExAC 0.00001; gnomAD 0.00001; TOPMed 0.00003.
gnomAD v4.1: 3 of 1,614,008 alleles (0.00019%); highest among the groups gnomAD compares: Admixed American, 0.0033%; no homozygotes.

Submissions (2):

Labcorp Genetics (formerly Invitae), Labcorp
Classification: Uncertain significance. Last evaluated: 2023-08-04. Review status: criteria provided, single submitter. Criteria: Invitae Variant Classification Sherloc (09022015). Collection method: clinical testing. Allele origin: germline.
Comment: In summary, the available evidence is currently insufficient to determine the role of this variant in disease. Therefore, it has been classified as a Variant of Uncertain Significance. An algorithm developed to predict the effect of missense changes on protein structure and function (PolyPhen-2) suggests that this variant is likely to be tolerated. ClinVar contains an entry for this variant (Variation ID: 1450056). This variant has not been reported in the literature in individuals affected with POP1-related conditions. This variant is present in population databases (rs750139829, gnomAD 0.006%). This sequence change replaces lysine, which is basic and polar, with threonine, which is neutral and polar, at codon 354 of the POP1 protein (p.Lys354Thr).

Ambry Genetics
Classification: Uncertain significance for Inborn genetic diseases. Last evaluated: 2021-06-29. Review status: criteria provided, single submitter. Criteria: Ambry Variant Classification Scheme 2023. Collection method: clinical testing. Allele origin: germline.

NM_001145860.2(POP1):c.1061A>C (p.Lys354Thr)

Gene: POP1 (POP1 ribonuclease P/MRP subunit; plus strand). Cytogenetic location: 8q22.2.
Variant type: single nucleotide variant.
Coding change: c.1061A>C on transcript NM_001145860.2 (MANE Select); coding-DNA position 1061, A replaced by C.
Protein change: p.Lys354Thr; replaces lysine 354 with threonine.
Molecular consequence: missense variant.
Genome position (GRCh38, 1-based): chr8:98,136,531, A>C. VCF-style: chr8-98136531-A-C. GRCh37 (hg19) VCF-style: chr8-99148759-A-C.
Other names: c.1061A>C (NM_015029.2); c.1061A>C, p.Lys354Thr (NM_001145861.2, NM_015029.3); short protein forms K354T.
Identifiers: ClinVar variation 1450056 (VCV001450056.7), dbSNP rs750139829, ClinGen allele CA4820488.